The following is an entry in ClinVar:

NM_000939.4(POMC):c.49C>T (p.Leu17=)

Gene: POMC (proopiomelanocortin; minus strand). Cytogenetic location: 2p23.3.
Variant type: single nucleotide variant.
Coding change: c.49C>T on transcript NM_000939.4 (MANE Select); coding-DNA position 49, C replaced by T.
Protein change: p.Leu17=; no amino-acid change (leucine 17 retained).
Molecular consequence: synonymous variant.
Genome position (GRCh38, 1-based): chr2:25,164,724, G>A on the plus strand (C>T on the coding strand, the complement: POMC is on the minus strand). VCF-style: chr2-25164724-G-A. GRCh37 (hg19) VCF-style: chr2-25387593-G-A.
Other names: c.49C>T, p.Leu17= (NM_001035256.3, NM_001319204.2, NM_001319205.2).
Identifiers: ClinVar variation 3358712 (VCV003358712.1).

ClinVar aggregate classification (germline): Likely benign (0 of 4 stars; one submission).

Conditions:
POMC-related disorder. Also called: POMC-related condition; POMC-related disorders.

Submission:

PreventionGenetics, part of Exact Sciences
Classification: Likely benign for POMC-related condition. Last evaluated: 2020-11-24. Review status: no assertion criteria provided. Collection method: clinical testing. Allele origin: germline.
Comment: This variant is classified as likely benign based on ACMG/AMP sequence variant interpretation guidelines (Richards et al. 2015 PMID: 25741868, with internal and published modifications).